The following is an entry in ClinVar:

NM_019844.4(SLCO1B3):c.2041G>A (p.Val681Ile)

Genes: SLCO1B3 (solute carrier organic anion transporter family member 1B3; plus strand), SLCO1B3-SLCO1B7 (SLCO1B3-SLCO1B7 readthrough; plus strand). Cytogenetic location: 12p12.2.
Variant type: single nucleotide variant.
Coding change: c.2041G>A on transcript NM_019844.4 (MANE Select); coding-DNA position 2041, G replaced by A.
Protein change: p.Val681Ile; replaces valine 681 with isoleucine.
Molecular consequence: missense variant. On other transcripts: intron variant (1).
Genome position (GRCh38, 1-based): chr12:20,916,179, G>A. VCF-style: chr12-20916179-G-A. GRCh37 (hg19) VCF-style: chr12-21069113-G-A.
Other names: c.1957G>A, p.Val653Ile (NM_001349920.2); c.1865+14712G>A (NM_001371097.1); c.2041G>A (NM_019844.3); short protein forms V653I, V681I.
Identifiers: ClinVar variation 2398052 (VCV002398052.4), dbSNP rs377270851, ClinGen allele CA6475801.
Genomic context (GRCh38, chr12:20,916,179, plus strand): 5'-AATGAAAGAAAAGTAATGGATGAAGCAAACTTAGAATTCTTAAATAATGGTGAACATTTT[G>A]TACCTTCTGCTGGAACAGATAGTAAAACATGTAATTTGGACATGCAAGACAATGCTGCTG-3'
Protein context (NP_062818.1, residues 671-691): LEFLNNGEHF[Val681Ile]PSAGTDSKTC

ClinVar aggregate classification (germline): Uncertain significance. Review status: criteria provided, multiple submitters, no conflicts (2 of 4 stars). 2 submissions from 2 submitters: Uncertain significance (2). Last evaluated 2026-08-07.

Conditions:
SLCO1B3-related disorder. Also called: SLCO1B3-related condition.

Allele frequency attached by ClinVar (database versions not stated): ExAC 0.00007; ESP Exome Variant Server 0.00008; gnomAD 0.00010; TOPMed 0.00010.
gnomAD v4.1: 234 of 1,611,724 alleles (0.015%); highest among the groups gnomAD compares: Non-Finnish European, 0.019%; 1 homozygote.

Submissions (2):

PreventionGenetics, part of Exact Sciences
Classification: Uncertain significance for SLCO1B3-related condition. Last evaluated: 2026-08-07. Review status: criteria provided, single submitter. Criteria: ACMG Guidelines, 2015. Collection method: clinical testing. Allele origin: germline.
Comment: The SLCO1B3 c.2041G>A variant is predicted to result in the amino acid substitution p.Val681Ile. To our knowledge, this variant has not been reported in the literature. This variant is reported in 0.016% of alleles in individuals of European (Non-Finnish) descent in gnomAD. At this time, the clinical significance of this variant is uncertain due to the absence of conclusive functional and genetic evidence.

Ambry Genetics
Classification: Uncertain significance. Last evaluated: 2024-11-10. Review status: criteria provided, single submitter. Criteria: Ambry Variant Classification Scheme 2023. Collection method: clinical testing. Allele origin: germline.